The following is an entry in ClinVar:

NM_014225.6(PPP2R1A):c.1302+7G>A

Gene: PPP2R1A (protein phosphatase 2 scaffold subunit Aalpha; plus strand). Cytogenetic location: 19q13.41.
Variant type: single nucleotide variant.
Coding change: c.1302+7G>A on transcript NM_014225.6 (MANE Select); 7 bases into the intron after coding-DNA position 1302, G replaced by A.
Molecular consequence: intron variant.
Genome position (GRCh38, 1-based): chr19:52,219,871, G>A. VCF-style: chr19-52219871-G-A. GRCh37 (hg19) VCF-style: chr19-52723124-G-A.
Other names: c.765+7G>A (NM_001363656.2).
Identifiers: ClinVar variation 1598381 (VCV001598381.9), dbSNP rs370447919, ClinGen allele CA9621550.

ClinVar aggregate classification (germline): Likely benign. Review status: criteria provided, multiple submitters, no conflicts (2 of 4 stars). 2 submissions from 2 submitters: Likely benign (2). Last evaluated 2026-01-26.

Allele frequency attached by ClinVar (database versions not stated): TOPMed below 0.00001; gnomAD exomes 0.00001; ExAC 0.00004; gnomAD 0.00004; 1000 Genomes Project 30x 0.00047; 1000 Genomes Project 0.00060.
gnomAD v4.1: 31 of 1,607,400 alleles (0.0019%); highest among the groups gnomAD compares: Middle Eastern, 0.052%; no homozygotes.

Submissions (2):

Labcorp Genetics (formerly Invitae), Labcorp
Classification: Likely benign. Last evaluated: 2026-01-26. Review status: criteria provided, single submitter. Criteria: Invitae Variant Classification Sherloc (09022015). Collection method: clinical testing. Allele origin: germline.

Women's Health and Genetics/Laboratory Corporation of America, LabCorp
Classification: Likely benign. Last evaluated: 2025-07-23. Review status: criteria provided, single submitter. Criteria: LabCorp Variant Classification Summary - May 2015. Collection method: clinical testing. Allele origin: germline.
Comment: Variant summary: PPP2R1A c.1302+7G>A alters a non-conserved nucleotide located at a position not widely known to affect splicing. Consensus agreement among computation tools predict no significant impact on normal splicing. However, these predictions have yet to be confirmed by functional studies. The variant allele was found at a frequency of 1.7e-05 in 1600680 control chromosomes, predominantly at a frequency of 0.00031 within the African or African-American subpopulation in the gnomAD database. The occurrence in several carriers suggests that this variant is likely not associated with a high penetrance, severe, early onset disease phenotype in heterozygous state. To our knowledge, no occurrence of c.1302+7G>A in individuals affected with Mental Retardation, Autosomal Dominant 36 and no experimental evidence demonstrating its impact on protein function have been reported. ClinVar contains an entry for this variant (Variation ID: 1598381). Based on the evidence outlined above, the variant was classified as likely benign.